The following is an entry in ClinVar:

ClinVar aggregate classification (germline): Uncertain significance. Review status: criteria provided, multiple submitters, no conflicts (2 of 4 stars). 3 submissions from 3 submitters: Uncertain significance (2). 1 of the submissions does not count toward it. Last evaluated 2024-11-11.

Conditions:
Inborn genetic diseases. Identifiers: MedGen C0950123, MeSH D030342.
Autosomal dominant nonsyndromic hearing loss 11. Identifiers: Orphanet 90635, MedGen C1832475, MONDO:0011032, OMIM 601317.

Allele frequency attached by ClinVar (database versions not stated): gnomAD exomes 0.00001; ExAC 0.00003.
gnomAD v4.1: 9 of 1,612,596 alleles (0.00056%); highest among the groups gnomAD compares: South Asian, 0.0033%; no homozygotes.

Submissions (3):

Labcorp Genetics (formerly Invitae), Labcorp
Classification: Uncertain significance. Last evaluated: 2024-11-11. Review status: criteria provided, single submitter. Criteria: Invitae Variant Classification Sherloc (09022015). Collection method: clinical testing. Allele origin: germline.
Comment: This sequence change replaces alanine, which is neutral and non-polar, with valine, which is neutral and non-polar, at codon 1563 of the MYO7A protein (p.Ala1563Val). This variant is present in population databases (rs569752467, gnomAD 0.007%). This variant has not been reported in the literature in individuals affected with MYO7A-related conditions. ClinVar contains an entry for this variant (Variation ID: 2157911). Invitae Evidence Modeling of protein sequence and biophysical properties (such as structural, functional, and spatial information, amino acid conservation, physicochemical variation, residue mobility, and thermodynamic stability) indicates that this missense variant is not expected to disrupt MYO7A protein function with a negative predictive value of 95%. In summary, the available evidence is currently insufficient to determine the role of this variant in disease. Therefore, it has been classified as a Variant of Uncertain Significance.

Ambry Genetics
Classification: Uncertain significance for Inborn genetic diseases. Last evaluated: 2022-02-17. Review status: criteria provided, single submitter. Criteria: Ambry Variant Classification Scheme 2023. Collection method: clinical testing. Allele origin: germline.

Zotz-Klimas Genetics Lab, MVZ Zotz Klimas
Classification: Uncertain significance for Autosomal dominant nonsyndromic hearing loss 11. Last evaluated: 2023-11-02. Review status: no assertion criteria provided. Collection method: clinical testing. Allele origin: germline. Affected: yes. Not counted in ClinVar's aggregate classification.

NM_000260.4(MYO7A):c.4688C>T (p.Ala1563Val)

Gene: MYO7A (myosin VIIA; plus strand). Cytogenetic location: 11q13.5.
Variant type: single nucleotide variant.
Coding change: c.4688C>T on transcript NM_000260.4 (MANE Select); coding-DNA position 4688, C replaced by T.
Protein change: p.Ala1563Val; replaces alanine 1563 with valine.
Molecular consequence: missense variant.
Genome position (GRCh38, 1-based): chr11:77,199,654, C>T. VCF-style: chr11-77199654-C-T. GRCh37 (hg19) VCF-style: chr11-76910699-C-T.
Other names: c.4574C>T, p.Ala1525Val (NM_001127180.2); c.4541C>T, p.Ala1514Val (NM_001369365.1); c.4688C>T (NM_000260.3); short protein forms A1514V, A1563V, A1525V.
Identifiers: ClinVar variation 2157911 (VCV002157911.4), dbSNP rs569752467, ClinGen allele CA6198520.
Genomic context (GRCh38, chr11:77,199,654, plus strand): 5'-CAGGCTGGGCAGGACTGACCCCGGCGGGGCCCTGTTCTCCGTGTTGGTCCTGCAGGGGAG[C>T]GAAAACGACGGCCCCCAGCTTCACGCTGGCCACCATCAAGGGGGACGAATACACCTTCAC-3'
Protein context (NP_000251.3, residues 1553-1573): PCSPCWSCRG[Ala1563Val]KTTAPSFTLA